The following is an entry in ClinVar:

NM_013275.6(ANKRD11):c.7428C>A (p.Tyr2476Ter)

Gene: ANKRD11 (ankyrin repeat domain 11; minus strand). Cytogenetic location: 16q24.3.
Variant type: single nucleotide variant.
Coding change: c.7428C>A on transcript NM_013275.6 (MANE Select); coding-DNA position 7428, C replaced by A.
Protein change: p.Tyr2476Ter; replaces tyrosine 2476 with a stop codon.
Molecular consequence: nonsense.
Genome position (GRCh38, 1-based): chr16:89,279,114, G>T on the plus strand (C>A on the coding strand, the complement: ANKRD11 is on the minus strand). VCF-style: chr16-89279114-G-T. GRCh37 (hg19) VCF-style: chr16-89345522-G-T.
Other names: c.7428C>A, p.Tyr2476Ter (NM_001256182.2, NM_001256183.2); short protein forms Y2476*.
Identifiers: ClinVar variation 4854488 (VCV004854488.1).

ClinVar aggregate classification (germline): Likely pathogenic (1 of 4 stars; one submission).

Conditions:
KBG syndrome (KBGS). Also called: ANKRD11-Related KBG Syndrome. Identifiers: Orphanet 2332, MedGen C0220687, MONDO:0007846, OMIM 148050.

Submission:

3billion
Classification: Likely pathogenic for KBG syndrome. Last evaluated: 2025-12-12. Review status: criteria provided, single submitter. Criteria: ACMG Guidelines, 2015. Collection method: clinical testing. Allele origin: germline. Affected: yes.
Comment: The variant is not observed in the gnomAD v4.1.0 dataset. Predicted Consequence/Location: Stop-gained (nonsense): predicted to result in a loss or disruption of normal protein function through nonsense-mediated decay (NMD) or protein truncation. Multiple pathogenic variants are reported downstream of the variant. Therefore, this variant is classified as Likely pathogenic according to the recommendation of ACMG/AMP guideline.